The following is an entry in ClinVar:

ClinVar aggregate classification (germline): Pathogenic (1 of 4 stars; one submission).

Conditions:
Exostoses, multiple, type 2 (EXT2). Also called: Hereditary Multiple Osteochondromatosis, Type II; EXOSTOSES, MULTIPLE, TYPE II. Identifiers: Orphanet 321, MedGen C1851413, MONDO:0007586, OMIM 133701.

Submission:

Labcorp Genetics (formerly Invitae), Labcorp
Classification: Pathogenic for Exostoses, multiple, type 2. Last evaluated: 2019-03-11. Review status: criteria provided, single submitter. Criteria: Invitae Variant Classification Sherloc (09022015). Collection method: clinical testing. Allele origin: germline.
Comment: For these reasons, this variant has been classified as Pathogenic. Loss-of-function variants in EXT2 are known to be pathogenic (PMID: 19810120). This variant has not been reported in the literature in individuals with EXT2-related disease. This variant is not present in population databases (ExAC no frequency). This sequence change creates a premature translational stop signal (p.Pro197Glnfs*73) in the EXT2 gene. It is expected to result in an absent or disrupted protein product.

Literature cited by the submitters: PubMed 19810120.

NM_207122.2(EXT2):c.590del (p.Pro197fs)

Gene: EXT2 (exostosin glycosyltransferase 2; plus strand). Cytogenetic location: 11p11.2.
Variant type: Deletion.
Coding change: c.590del on transcript NM_207122.2 (MANE Select); coding-DNA position 590, one base deleted (C; older notation c.590delC).
Protein change: p.Pro197fs; shifts the reading frame from proline 197.
Molecular consequence: frameshift variant.
Genome position (GRCh38, 1-based): chr11:44,109,247, C deleted; the last of 5 consecutive C bases (chr11:44,109,243-44,109,247); deleting any one gives the same sequence. VCF-style (leftmost placement, unchanged base first): chr11-44109242-TC-T. GRCh37 (hg19) VCF-style: chr11-44130792-TC-T.
Other names: c.590delC (NM_207122.1); c.689del, p.Pro230fs (NM_000401.3); c.590del, p.Pro197fs (NM_001178083.3, NM_001389628.1, NM_001389630.1); short protein forms P197fs, P230fs.
Identifiers: ClinVar variation 657872 (VCV000657872.9), dbSNP rs1565197245, ClinGen allele CA915948123.